The following is an entry in ClinVar:

ClinVar aggregate classification (germline): Likely benign (1 of 4 stars; one submission).

Allele frequency attached by ClinVar (database versions not stated): gnomAD 0.00065; TOPMed 0.00077; ExAC 0.00016; 1000 Genomes Project 0.00020; 1000 Genomes Project 30x 0.00031; ESP Exome Variant Server 0.00058.
gnomAD v4.1: 215 of 1,613,770 alleles (0.013%); highest among the groups gnomAD compares: African/African-American, 0.19%; no homozygotes.

Submission:

CeGaT Center for Human Genetics Tuebingen
Classification: Likely benign. Last evaluated: 2022-03-01. Review status: criteria provided, single submitter. Criteria: CeGaT Center For Human Genetics Tuebingen Variant Classification Criteria Version 2. Collection method: clinical testing. Allele origin: germline. Affected: yes. Observed: 1 variant allele.
Comment: SACK1G: BP4, BP7

NM_001039999.3(SACK1G):c.2268G>A (p.Pro756=)

Genes: SACK1G (scaffolding CK1 anchoring protein G; minus strand), SLC5A10 (solute carrier family 5 member 10; plus strand). Cytogenetic location: 17p11.2.
Variant type: single nucleotide variant.
Coding change: c.2268G>A on transcript NM_001039999.3 (MANE Select); coding-DNA position 2268, G replaced by A.
Protein change: p.Pro756=; no amino-acid change (proline 756 retained).
Molecular consequence: synonymous variant. On other transcripts: intron variant (5).
Genome position (GRCh38, 1-based): chr17:18,971,563, C>T on the plus strand (G>A on the coding strand, the complement: SACK1G is on the minus strand). VCF-style: chr17-18971563-C-T. GRCh37 (hg19) VCF-style: chr17-18874876-C-T.
Other names: c.597+345C>T (NM_001282417.1); c.846+345C>T (NM_152351.6, NM_001042450.4, NM_001270649.2); c.765+345C>T (NM_001270648.3).
Identifiers: ClinVar variation 2647561 (VCV002647561.24), dbSNP rs201776196, ClinGen allele CA8436056.
Genomic context (GRCh38, chr17:18,971,563, plus strand): 5'-GGTGGCCCTGCCATCGGTCATGGGGCGGGCATTTTGGGCCAGTCTTGGGCTGCCGGGATC[C>T]GGAAGCAGGCGGGGTACCTGACCTCCCTTGGCCTGCCAGTGGTGGGGGCCAGCCATGGCT-3'
Protein context (NP_001035088.2, residues 746-766): AKGGQVPRLL[Pro756=]DPGSPRLAQN